The following is an entry in ClinVar:

ClinVar aggregate classification (germline): Conflicting classifications of pathogenicity. Review status: criteria provided, conflicting classifications (1 of 4 stars). 6 submissions from 6 submitters: Uncertain significance (2); Benign (1); Likely benign (3). Last evaluated 2026-06-22.

Conditions:
Ehlers-Danlos syndrome, classic type, 1 (EDSCL1). Also called: EDS I; EHLERS-DANLOS SYNDROME, GRAVIS TYPE; Ehlers-Danlos syndrome, type 1; Ehlers-Danlos Syndrome, Classic Type, COL5A1-Related; EHLERS-DANLOS SYNDROME, SEVERE CLASSIC TYPE. Identifiers: MedGen C0268335, MONDO:0019567, OMIM 130000.
Ehlers-Danlos syndrome, classic type (cEDS). Identifiers: Orphanet 287, MedGen C4225429, MONDO:0007522.
Familial thoracic aortic aneurysm and aortic dissection (TAAD). Also called: Thoracic aortic aneurysms and dissections. Identifiers: Orphanet 91387, MedGen C4707243, MONDO:0019625.

Allele frequency attached by ClinVar (database versions not stated): gnomAD exomes 0.00003 and 0.00007; gnomAD 0.00004 and 0.00007; TOPMed 0.00004; ExAC 0.00006; ESP Exome Variant Server 0.00008.
gnomAD v4.1: 59 of 1,611,528 alleles (0.0037%); highest among the groups gnomAD compares: Middle Eastern, 0.12%; no homozygotes.

Submissions (6):

GeneDx
Classification: Uncertain significance. Last evaluated: 2026-06-22. Review status: criteria provided, single submitter. Criteria: GeneDx Variant Classification Process June 2021. Collection method: clinical testing. Allele origin: germline.
Comment: Has not been previously published as pathogenic or benign to our knowledge; In silico analysis supports that this missense variant has a deleterious effect on protein structure/function; Not located in the triple helical region, where the majority of pathogenic missense variants occur (PMID: 22696272; HGMD); This variant is associated with the following publications: (PMID: 33206719, 22696272)

Labcorp Genetics (formerly Invitae), Labcorp
Classification: Benign for Ehlers-Danlos syndrome, classic type, 1. Last evaluated: 2026-01-26. Review status: criteria provided, single submitter. Criteria: Invitae Variant Classification Sherloc (09022015). Collection method: clinical testing. Allele origin: germline.

Women's Health and Genetics/Laboratory Corporation of America, LabCorp
Classification: Likely benign. Last evaluated: 2025-06-09. Review status: criteria provided, single submitter. Criteria: LabCorp Variant Classification Summary - May 2015. Collection method: clinical testing. Allele origin: germline.
Comment: Variant summary: COL5A1 c.446C>T (p.Pro149Leu) results in a non-conservative amino acid change in the encoded protein sequence. Algorithms developed to predict the effect of missense changes on protein structure and function are either unavailable or do not agree on the potential impact of this missense change. The variant allele was found at a frequency of 7.2e-05 in 248928 control chromosomes (gnomAD). The observed variant frequency is approximately 2 fold of the estimated maximal expected allele frequency for a pathogenic variant in COL5A1 causing Ehlers-Danlos Syndrome phenotype (3.1e-05). To our knowledge, no occurrence of c.446C>T in individuals affected with Ehlers-Danlos Syndrome and no experimental evidence demonstrating its impact on protein function have been reported. ClinVar contains an entry for this variant (Variation ID: 519635). Based on the evidence outlined above, the variant was classified as likely benign.

Ambry Genetics
Classification: Uncertain significance for Familial thoracic aortic aneurysm and aortic dissection. Last evaluated: 2025-01-20. Review status: criteria provided, single submitter. Criteria: Ambry Variant Classification Scheme 2023. Collection method: clinical testing. Allele origin: germline.
Comment: The p.P149L variant (also known as c.446C>T), located in coding exon 3 of the COL5A1 gene, results from a C to T substitution at nucleotide position 446. The proline at codon 149 is replaced by leucine, an amino acid with similar properties. This amino acid position is highly conserved in available vertebrate species. In addition, this alteration is predicted to be tolerated by in silico analysis. Since supporting evidence is limited at this time, the clinical significance of this alteration remains unclear.

Blueprint Genetics
Classification: Likely benign. Last evaluated: 2021-10-06. Review status: criteria provided, single submitter. Criteria: ACMG Guidelines, 2015. Collection method: clinical testing. Allele origin: germline.

Illumina Laboratory Services, Illumina
Classification: Likely benign for Ehlers-Danlos syndrome, classic type, 1. Last evaluated: 2018-01-13. Review status: criteria provided, single submitter. Criteria: ICSL Variant Classification Criteria 13 December 2019. Collection method: clinical testing. Allele origin: germline.
Comment: This variant was observed in the ICSL laboratory as part of a predisposition screen in an ostensibly healthy population. It had not been previously curated by ICSL or reported in the Human Gene Mutation Database (HGMD: prior to June 1st, 2018), and was therefore a candidate for classification through an automated scoring system. Utilizing variant allele frequency, disease prevalence and penetrance estimates, and inheritance mode, an automated score was calculated to assess if this variant is too frequent to cause the disease. Based on the score and internal cut-off values, a variant classified as likely benign is not then subjected to further curation. The score for this variant resulted in a classification of likely benign for this disease.

Literature cited by the submitters: PubMed 33206719 (cited by Ambry Genetics).

NM_000093.5(COL5A1):c.446C>T (p.Pro149Leu)

Gene: COL5A1 (collagen type V alpha 1 chain; plus strand). Cytogenetic location: 9q34.3.
Variant type: single nucleotide variant.
Coding change: c.446C>T on transcript NM_000093.5 (MANE Select); coding-DNA position 446, C replaced by T.
Protein change: p.Pro149Leu; replaces proline 149 with leucine.
Molecular consequence: missense variant.
Genome position (GRCh38, 1-based): chr9:134,700,077, C>T. VCF-style: chr9-134700077-C-T. GRCh37 (hg19) VCF-style: chr9-137591923-C-T.
Other names: c.446C>T, p.Pro149Leu (NM_001278074.1); short protein forms P149L.
Identifiers: ClinVar variation 519635 (VCV000519635.24), dbSNP rs369971694, ClinGen allele CA5318298.